The following is an entry in ClinVar:

ClinVar aggregate classification (germline): Uncertain significance (1 of 4 stars; one submission).

Submission:

Labcorp Genetics (formerly Invitae), Labcorp
Classification: Uncertain significance. Last evaluated: 2023-09-11. Review status: criteria provided, single submitter. Criteria: Invitae Variant Classification Sherloc (09022015). Collection method: clinical testing. Allele origin: germline.
Comment: In summary, the available evidence is currently insufficient to determine the role of this variant in disease. Therefore, it has been classified as a Variant of Uncertain Significance. Advanced modeling of protein sequence and biophysical properties (such as structural, functional, and spatial information, amino acid conservation, physicochemical variation, residue mobility, and thermodynamic stability) performed at Invitae indicates that this missense variant is not expected to disrupt NALCN protein function. This variant has not been reported in the literature in individuals affected with NALCN-related conditions. This variant is not present in population databases (gnomAD no frequency). This sequence change replaces alanine, which is neutral and non-polar, with valine, which is neutral and non-polar, at codon 1304 of the NALCN protein (p.Ala1304Val).

NM_052867.4(NALCN):c.3911C>T (p.Ala1304Val)

Gene: NALCN (sodium leak channel, non-selective; minus strand). Cytogenetic location: 13q32.3.
Variant type: single nucleotide variant.
Coding change: c.3911C>T on transcript NM_052867.4 (MANE Select); coding-DNA position 3911, C replaced by T.
Protein change: p.Ala1304Val; replaces alanine 1304 with valine.
Molecular consequence: missense variant.
Genome position (GRCh38, 1-based): chr13:101,075,916, G>A on the plus strand (C>T on the coding strand, the complement: NALCN is on the minus strand). VCF-style: chr13-101075916-G-A. GRCh37 (hg19) VCF-style: chr13-101728267-G-A.
Other names: c.3998C>T, p.Ala1333Val (NM_001350748.2); c.3911C>T, p.Ala1304Val (NM_001350749.2); c.3824C>T, p.Ala1275Val (NM_001350750.2, NM_001350751.2); short protein forms A1304V, A1275V, A1333V.
Identifiers: ClinVar variation 2760148 (VCV002760148.3), dbSNP rs2501929766, ClinGen allele CA388649746.
Genomic context (GRCh38, chr13:101,075,916, plus strand): 5'-CTTAACAATGTACTTACATGTTTTCCACAGATGGAGAAAAACCTAAATACAATCACACAA[G>A]CGCCCATCATGTAAGTATATGCATTCTGAAATTTAAACAGAAGACAGCTTCTCATAATTT-3'
Protein context (NP_443099.1, residues 1294-1314): LLNAYTYMMG[Ala1304Val]CVIVFRFFSI